The following is an entry in ClinVar:

ClinVar aggregate classification (germline): Benign/Likely benign. Review status: criteria provided, multiple submitters, no conflicts (2 of 4 stars). 5 submissions from 5 submitters: Benign (1); Likely benign (4). Last evaluated 2026-05-05.

Conditions:
PRPF31-related disorder. Also called: PRPF31-related condition.
Retinal dystrophy. Also called: Inherited retinal dystrophy. Identifiers: Orphanet 71862, MedGen C0854723, MeSH D058499, MONDO:0019118, HP:0000556.

Allele frequency attached by ClinVar (database versions not stated): ExAC 0.00005; gnomAD exomes 0.00005 and 0.00019; ESP Exome Variant Server 0.00015.

Submissions (5):

PreventionGenetics, part of Exact Sciences
Classification: Likely benign for PRPF31-related condition. Last evaluated: 2026-05-05. Review status: criteria provided, single submitter. Criteria: ACMG Guidelines, 2015. Collection method: clinical testing. Allele origin: germline.
Comment: This variant is classified as likely benign based on ACMG/AMP sequence variant interpretation guidelines (Richards et al. 2015 PMID: 25741868, with internal and published modifications).

Labcorp Genetics (formerly Invitae), Labcorp
Classification: Likely benign. Last evaluated: 2024-11-04. Review status: criteria provided, single submitter. Criteria: Invitae Variant Classification Sherloc (09022015). Collection method: clinical testing. Allele origin: germline.

Dept Of Ophthalmology, Nagoya University
Classification: Benign for Retinal dystrophy. Last evaluated: 2023-10-01. Review status: criteria provided, single submitter. Criteria: Submitter's publication. Collection method: research. Allele origin: germline. Affected: yes.

Blueprint Genetics
Classification: Likely benign. Last evaluated: 2022-05-16. Review status: criteria provided, single submitter. Criteria: ACMG Guidelines, 2015. Collection method: clinical testing. Allele origin: germline.

CeGaT Center for Human Genetics Tuebingen
Classification: Likely benign. Last evaluated: 2021-06-01. Review status: criteria provided, single submitter. Criteria: CeGaT Center For Human Genetics Tuebingen Variant Classification Criteria Version 2. Collection method: clinical testing. Allele origin: germline. Affected: yes. Observed: 1 variant allele.

NM_015629.4(PRPF31):c.414G>A (p.Thr138=)

Genes: PRPF31 (pre-mRNA processing factor 31; plus strand), PRPF31-AS1 (PRPF31 antisense RNA 1; minus strand). Cytogenetic location: 19q13.42.
Variant type: single nucleotide variant.
Coding change: c.414G>A on transcript NM_015629.4 (MANE Select); coding-DNA position 414, G replaced by A.
Protein change: p.Thr138=; no amino-acid change (threonine 138 retained).
Molecular consequence: synonymous variant.
Genome position (GRCh38, 1-based): chr19:54,122,588, G>A. VCF-style: chr19-54122588-G-A. GRCh37 (hg19) VCF-style: chr19-54625967-G-A.
Other names: c.414G>A (NM_015629.3).
Identifiers: ClinVar variation 1175950 (VCV001175950.44), dbSNP rs374852494, ClinGen allele CA309324009.
Genomic context (GRCh38, chr19:54,122,588, plus strand): 5'-CTCAAAGAGATTCCCTGAACTGGAGTCCTTGGTCCCCAATGCACTGGATTACATCCGCAC[G>A]GTCAAGGTGAGCGCAGAGAAGGTGGGGTGCTTCTGCTGGCGTGAAGGGGCAGGCGGGGCT-3'
Protein context (NP_056444.3, residues 128-148): LVPNALDYIR[Thr138=]VKELGNSLDK